The following is an entry in ClinVar:

NM_003227.4(TFR2):c.403C>G (p.Leu135Val)

Gene: TFR2 (transferrin receptor 2; minus strand). Cytogenetic location: 7q22.1.
Variant type: single nucleotide variant.
Coding change: c.403C>G on transcript NM_003227.4 (MANE Select); coding-DNA position 403, C replaced by G.
Protein change: p.Leu135Val; replaces leucine 135 with valine.
Molecular consequence: missense variant.
Genome position (GRCh38, 1-based): chr7:100,640,756, G>C on the plus strand (C>G on the coding strand, the complement: TFR2 is on the minus strand). VCF-style: chr7-100640756-G-C. GRCh37 (hg19) VCF-style: chr7-100238379-G-C.
Other names: short protein forms L135V.
Identifiers: ClinVar variation 3045581 (VCV003045581.2), dbSNP rs2486146958, ClinGen allele CA368537662.

ClinVar aggregate classification (germline): Uncertain significance (0 of 4 stars; one submission).

Conditions:
TFR2-related disorder. Also called: TFR2-related condition.

Submission:

PreventionGenetics, part of Exact Sciences
Classification: Uncertain significance for TFR2-related condition. Last evaluated: 2024-01-09. Review status: no assertion criteria provided. Collection method: clinical testing. Allele origin: germline.
Comment: The TFR2 c.403C>G variant is predicted to result in the amino acid substitution p.Leu135Val. To our knowledge, this variant has not been reported in the literature or in a large population database, indicating this variant is rare. At this time, the clinical significance of this variant is uncertain due to the absence of conclusive functional and genetic evidence.